The following is an entry in ClinVar:

NM_004370.6(COL12A1):c.7915G>A (p.Glu2639Lys)

Gene: COL12A1 (collagen type XII alpha 1 chain; minus strand). Cytogenetic location: 6q13.
Variant type: single nucleotide variant.
Coding change: c.7915G>A on transcript NM_004370.6 (MANE Select); coding-DNA position 7915, G replaced by A.
Protein change: p.Glu2639Lys; replaces glutamic acid 2639 with lysine.
Molecular consequence: missense variant.
Genome position (GRCh38, 1-based): chr6:75,113,239, C>T on the plus strand (G>A on the coding strand, the complement: COL12A1 is on the minus strand). VCF-style: chr6-75113239-C-T. GRCh37 (hg19) VCF-style: chr6-75822955-C-T.
Other names: c.4423G>A, p.Glu1475Lys (NM_080645.3); short protein forms E1475K, E2639K.
Identifiers: ClinVar variation 1051994 (VCV001051994.11), dbSNP rs1384761865, ClinGen allele CA364743542.

ClinVar aggregate classification (germline): Uncertain significance. Review status: criteria provided, multiple submitters, no conflicts (2 of 4 stars). 2 submissions from 2 submitters: Uncertain significance (2). Last evaluated 2025-10-21.

Conditions:
Ullrich congenital muscular dystrophy 2 (UCMD2). Identifiers: Orphanet 75840, MedGen C4225314, MONDO:0014654, OMIM 616470.
Bethlem myopathy 2 (BTHLM2). Identifiers: Orphanet 536516, Orphanet 610, MedGen C4225313, MONDO:0034022, OMIM 616471.

Allele frequency attached by ClinVar (database versions not stated): gnomAD 0.00001; TOPMed 0.00001; gnomAD exomes below 0.00001.
gnomAD v4.1: 5 of 1,564,070 alleles (0.00032%); highest among the groups gnomAD compares: Non-Finnish European, 0.00035%; no homozygotes.

Submissions (2):

Labcorp Genetics (formerly Invitae), Labcorp
Classification: Uncertain significance for Bethlem myopathy 2; Ullrich congenital muscular dystrophy 2. Last evaluated: 2025-10-21. Review status: criteria provided, single submitter. Criteria: Invitae Variant Classification Sherloc (09022015). Collection method: clinical testing. Allele origin: germline.
Comment: This sequence change replaces glutamic acid, which is acidic and polar, with lysine, which is basic and polar, at codon 2639 of the COL12A1 protein (p.Glu2639Lys). This variant is not present in population databases (gnomAD no frequency). This variant has not been reported in the literature in individuals affected with COL12A1-related conditions. ClinVar contains an entry for this variant (Variation ID: 1051994). Invitae Evidence Modeling of protein sequence and biophysical properties (such as structural, functional, and spatial information, amino acid conservation, physicochemical variation, residue mobility, and thermodynamic stability) indicates that this missense variant is not expected to disrupt COL12A1 protein function with a negative predictive value of 80%. In summary, the available evidence is currently insufficient to determine the role of this variant in disease. Therefore, it has been classified as a Variant of Uncertain Significance.

Revvity Omics, Revvity
Classification: Uncertain significance. Last evaluated: 2021-12-15. Review status: criteria provided, single submitter. Criteria: ACMG Guidelines, 2015. Collection method: clinical testing. Allele origin: germline.